The following is an entry in ClinVar:

ClinVar aggregate classification (germline): Pathogenic (1 of 4 stars; one submission).

Submission:

Labcorp Genetics (formerly Invitae), Labcorp
Classification: Pathogenic. Last evaluated: 2023-12-02. Review status: criteria provided, single submitter. Criteria: Invitae Variant Classification Sherloc (09022015). Collection method: clinical testing. Allele origin: germline.
Comment: This sequence change creates a premature translational stop signal (p.Glu1345Argfs*75) in the DUOX2 gene. It is expected to result in an absent or disrupted protein product. Loss-of-function variants in DUOX2 are known to be pathogenic (PMID: 12110737, 18765513, 21565790, 24423310, 24735383). This variant is not present in population databases (gnomAD no frequency). This variant has not been reported in the literature in individuals affected with DUOX2-related conditions. For these reasons, this variant has been classified as Pathogenic.

Literature cited by the submitters: PubMed 12110737; PubMed 18765513; PubMed 21565790; PubMed 24423310; PubMed 24735383.

NM_001363711.2(DUOX2):c.4033del (p.Glu1345fs)

Gene: DUOX2 (dual oxidase 2; minus strand). Cytogenetic location: 15q21.1.
Variant type: Deletion.
Coding change: c.4033del on transcript NM_001363711.2 (MANE Select); coding-DNA position 4033, one base deleted (G; older notation c.4033delG).
Protein change: p.Glu1345fs; shifts the reading frame from glutamic acid 1345.
Molecular consequence: frameshift variant.
Genome position (GRCh38, 1-based): chr15:45,095,875, C deleted on the plus strand (G on the coding strand, the reverse complement: DUOX2 is on the minus strand); the first of 3 consecutive C bases (chr15:45,095,875-45,095,877); deleting any one gives the same sequence. VCF-style (leftmost placement, unchanged base first): chr15-45095874-TC-T. GRCh37 (hg19) VCF-style: chr15-45388072-TC-T.
Other names: c.4033del, p.Glu1345fs (NM_014080.5); short protein forms E1345fs.
Identifiers: ClinVar variation 2994787 (VCV002994787.4), dbSNP rs2504740195, ClinGen allele CA2740097273.
Genomic context (GRCh38, chr15:45,095,874, plus strand): 5'-CCAGTGACGGGCACCTTTGGGTATCCAGCACAGCCATTGCCCTTTGGGGATGAGTAGATC[TC>T]CCTGAGGCGAGTGGTCCAGGGCCCCACTGCCCGGATGTGCAGGCTGAGTGTGTCCTCATG-3'